The following is an entry in ClinVar:

ClinVar aggregate classification (germline): Uncertain significance (1 of 4 stars; one submission).

Conditions:
Familial cancer of breast. Also called: hereditary breast carcinoma; Hereditary breast cancer; BREAST CANCER, FAMILIAL. Identifiers: Orphanet 227535, MedGen C0346153, MONDO:0016419, OMIM 114480. Disease mechanism: loss of function.

Submission:

Labcorp Genetics (formerly Invitae), Labcorp
Classification: Uncertain significance for Familial cancer of breast. Last evaluated: 2019-08-19. Review status: criteria provided, single submitter. Criteria: Invitae Variant Classification Sherloc (09022015). Collection method: clinical testing. Allele origin: germline.
Comment: This sequence change replaces arginine with threonine at codon 945 of the PALB2 protein (p.Arg945Thr). The arginine residue is highly conserved and there is a moderate physicochemical difference between arginine and threonine. This variant also falls at the last nucleotide of exon 8 of the PALB2 coding sequence, which is part of the consensus splice site for this exon. This variant is not present in population databases (ExAC no frequency). This variant has not been reported in the literature in individuals with PALB2-related conditions. Algorithms developed to predict the effect of missense changes on protein structure and function are either unavailable or do not agree on the potential impact of this missense change (SIFT: "Tolerated"; PolyPhen-2: "Probably Damaging"; Align-GVGD: "Class C0"). Nucleotide substitutions within the consensus splice site are a relatively common cause of aberrant splicing (PMID: 17576681, 9536098). Algorithms developed to predict the effect of sequence changes on RNA splicing suggest that this variant may disrupt the consensus splice site, but this prediction has not been confirmed by published transcriptional studies. In summary, the available evidence is currently insufficient to determine the role of this variant in disease. Therefore, it has been classified as a Variant of Uncertain Significance.

Literature cited by the submitters: PubMed 17576681; PubMed 9536098.

NM_024675.4(PALB2):c.2834G>C (p.Arg945Thr)

Gene: PALB2 (partner and localizer of BRCA2; minus strand). Cytogenetic location: 16p12.2.
Variant type: single nucleotide variant.
Coding change: c.2834G>C on transcript NM_024675.4 (MANE Select); coding-DNA position 2834, G replaced by C.
Protein change: p.Arg945Thr; replaces arginine 945 with threonine.
Molecular consequence: missense variant.
Genome position (GRCh38, 1-based): chr16:23,624,009, C>G on the plus strand (G>C on the coding strand, the complement: PALB2 is on the minus strand). VCF-style: chr16-23624009-C-G. GRCh37 (hg19) VCF-style: chr16-23635330-C-G.
Other names: short protein forms R945T.
Identifiers: ClinVar variation 860213 (VCV000860213.10), dbSNP rs1966823330, ClinGen allele CA395144756.